The following is an entry in ClinVar:

NM_007118.4(TRIO):c.5331C>T (p.Leu1777=)

Gene: TRIO (trio Rho guanine nucleotide exchange factor; plus strand). Cytogenetic location: 5p15.2.
Variant type: single nucleotide variant.
Coding change: c.5331C>T on transcript NM_007118.4 (MANE Select); coding-DNA position 5331, C replaced by T.
Protein change: p.Leu1777=; no amino-acid change (leucine 1777 retained).
Molecular consequence: synonymous variant. On other transcripts: non-coding transcript variant (1).
Genome position (GRCh38, 1-based): chr5:14,461,146, C>T. VCF-style: chr5-14461146-C-T. GRCh37 (hg19) VCF-style: chr5-14461255-C-T.
Identifiers: ClinVar variation 787810 (VCV000787810.36), dbSNP rs200595562, ClinGen allele CA3206722.
Genomic context (GRCh38, chr5:14,461,146, plus strand): 5'-GATCGGGGCCCAGAGCTCGCCGGGCCCCAAGCGGCCGGGCAACACCCTGCGCAAGTGGCT[C>T]ACCAGCCCCGTGCGGCGGCTCAGCAGCGGCAAGGCCGACGGGCACGTGAAGAAGCTGGCG-3'
Protein context (NP_009049.2, residues 1767-1787): KRPGNTLRKW[Leu1777=]TSPVRRLSSG

ClinVar aggregate classification (germline): Benign/Likely benign. Review status: criteria provided, multiple submitters, no conflicts (2 of 4 stars). 3 submissions from 3 submitters: Benign (2); Likely benign (1). Last evaluated 2022-04-01.

Allele frequency attached by ClinVar (database versions not stated): gnomAD exomes 0.00014 and 0.00035; ExAC 0.00048; ESP Exome Variant Server 0.00074; gnomAD 0.00144 and 0.00153; TOPMed 0.00173; 1000 Genomes Project 0.00180; 1000 Genomes Project 30x 0.00187.
gnomAD v4.1: 429 of 1,556,146 alleles (0.028%); highest among the groups gnomAD compares: African/African-American, 0.51%; 2 homozygotes.

Submissions (3):

CeGaT Center for Human Genetics Tuebingen
Classification: Benign. Last evaluated: 2022-04-01. Review status: criteria provided, single submitter. Criteria: CeGaT Center For Human Genetics Tuebingen Variant Classification Criteria Version 2. Collection method: clinical testing. Allele origin: germline. Affected: yes. Observed: 1 variant allele.
Comment: TRIO: BS1, BS2

Labcorp Genetics (formerly Invitae), Labcorp
Classification: Likely benign. Last evaluated: 2019-12-31. Review status: criteria provided, single submitter. Criteria: Invitae Variant Classification Sherloc (09022015). Collection method: clinical testing. Allele origin: germline.

GeneDx
Classification: Benign. Last evaluated: 2019-08-22. Review status: criteria provided, single submitter. Criteria: GeneDx Variant Classification Process June 2021. Collection method: clinical testing. Allele origin: germline. Affected: yes.